The following is an entry in ClinVar:

NM_000218.3(KCNQ1):c.1537A>T (p.Thr513Ser)

Gene: KCNQ1 (potassium voltage-gated channel subfamily Q member 1; plus strand). Cytogenetic location: 11p15.5.
Variant type: single nucleotide variant.
Coding change: c.1537A>T on transcript NM_000218.3 (MANE Select); coding-DNA position 1537, A replaced by T.
Protein change: p.Thr513Ser; replaces threonine 513 with serine.
Molecular consequence: missense variant.
Genome position (GRCh38, 1-based): chr11:2,768,866, A>T. VCF-style: chr11-2768866-A-T. GRCh37 (hg19) VCF-style: chr11-2790096-A-T.
Other names: c.1441A>T, p.Thr481Ser (NM_001406836.1); c.1267A>T, p.Thr423Ser (NM_001406837.1); c.997A>T, p.Thr333Ser (NM_001406838.1); c.1156A>T, p.Thr386Ser (NM_181798.2); short protein forms T386S, T513S, T333S, T423S, T481S.
Identifiers: ClinVar variation 235000 (VCV000235000.9), dbSNP rs778975231, ClinGen allele CA030811.

ClinVar aggregate classification (germline): Uncertain significance. Review status: criteria provided, multiple submitters, no conflicts (2 of 4 stars). 2 submissions from 2 submitters: Uncertain significance (2). Last evaluated 2022-04-28.

Conditions:
Long QT syndrome (LQTS). Identifiers: MedGen C0023976, MeSH D008133, MONDO:0002442. Disease mechanism: loss of function. Inheritance: Various modes of inheritance.

Allele frequency attached by ClinVar (database versions not stated): ExAC 0.00001.
gnomAD v4.1: 2 of 1,614,046 alleles (0.00012%); highest among the groups gnomAD compares: Admixed American, 0.0033%; no homozygotes.

Submissions (2):

Labcorp Genetics (formerly Invitae), Labcorp
Classification: Uncertain significance for Long QT syndrome. Last evaluated: 2022-04-28. Review status: criteria provided, single submitter. Criteria: Invitae Variant Classification Sherloc (09022015). Collection method: clinical testing. Allele origin: germline.
Comment: In summary, the available evidence is currently insufficient to determine the role of this variant in disease. Therefore, it has been classified as a Variant of Uncertain Significance. Algorithms developed to predict the effect of missense changes on protein structure and function (SIFT, PolyPhen-2, Align-GVGD) all suggest that this variant is likely to be tolerated. ClinVar contains an entry for this variant (Variation ID: 235000). This missense change has been observed in individual(s) with long QT syndrome (PMID: 23631430). This variant is present in population databases (rs778975231, gnomAD 0.003%). This sequence change replaces threonine, which is neutral and polar, with serine, which is neutral and polar, at codon 513 of the KCNQ1 protein (p.Thr513Ser).

Stanford Center for Inherited Cardiovascular Disease, Stanford University
Classification: Uncertain significance. Last evaluated: 2013-03-05. Review status: criteria provided, single submitter. Criteria: ACMG Guidelines, 2015. Collection method: provider interpretation. Allele origin: germline.

Literature cited by the submitters: PubMed 23631430 (cited by Labcorp Genetics (formerly Invitae), Labcorp).